The following is an entry in ClinVar:

ClinVar aggregate classification (germline): Uncertain significance. Review status: criteria provided, multiple submitters, no conflicts (2 of 4 stars). 2 submissions from 2 submitters: Uncertain significance (2). Last evaluated 2024-04-26.

Conditions:
Inborn genetic diseases. Identifiers: MedGen C0950123, MeSH D030342.

Allele frequency attached by ClinVar (database versions not stated): gnomAD exomes 0.00001; ExAC 0.00006; gnomAD 0.00001.
gnomAD v4.1: 6 of 1,594,224 alleles (0.00038%); highest among the groups gnomAD compares: East Asian, 0.0068%; no homozygotes.

Submissions (2):

Ambry Genetics
Classification: Uncertain significance for Inborn genetic diseases. Last evaluated: 2024-04-26. Review status: criteria provided, single submitter. Criteria: Ambry Variant Classification Scheme 2023. Collection method: clinical testing. Allele origin: germline.

GeneDx
Classification: Uncertain significance. Last evaluated: 2019-12-02. Review status: criteria provided, single submitter. Criteria: GeneDx Variant Classification Process June 2021. Collection method: clinical testing. Allele origin: germline. Affected: yes.
Comment: In silico analysis, which includes protein predictors and evolutionary conservation, supports a deleterious effect; Has not been previously published as pathogenic or benign to our knowledge

NM_004817.4(TJP2):c.607C>T (p.Arg203Trp)

Gene: TJP2 (tight junction protein 2; plus strand). Cytogenetic location: 9q21.11.
Variant type: single nucleotide variant.
Coding change: c.607C>T on transcript NM_004817.4 (MANE Select); coding-DNA position 607, C replaced by T.
Protein change: p.Arg203Trp; replaces arginine 203 with tryptophan.
Molecular consequence: missense variant.
Genome position (GRCh38, 1-based): chr9:69,221,151, C>T. VCF-style: chr9-69221151-C-T. GRCh37 (hg19) VCF-style: chr9-71836067-C-T.
Other names: c.538C>T, p.Arg180Trp (NM_001170414.2, NM_001369870.1, NM_001369871.1); c.619C>T, p.Arg207Trp (NM_001170415.1, NM_001369874.1, NM_001369875.1); c.700C>T, p.Arg234Trp (NM_001170416.2); c.607C>T, p.Arg203Trp (NM_001369872.1, NM_001369873.1, NM_201629.3); short protein forms R180W, R203W, R207W, R234W.
Identifiers: ClinVar variation 1310612 (VCV001310612.3), dbSNP rs781732191, ClinGen allele CA5073048.